The following is an entry in ClinVar:

NM_000465.4(BARD1):c.1807A>G (p.Thr603Ala)

Gene: BARD1 (BRCA1 associated RING domain 1; minus strand). Cytogenetic location: 2q35.
Variant type: single nucleotide variant.
Coding change: c.1807A>G on transcript NM_000465.4 (MANE Select); coding-DNA position 1807, A replaced by G.
Protein change: p.Thr603Ala; replaces threonine 603 with alanine.
Molecular consequence: missense variant. On other transcripts: non-coding transcript variant (3), intron variant (1).
Genome position (GRCh38, 1-based): chr2:214,745,725, T>C on the plus strand (A>G on the coding strand, the complement: BARD1 is on the minus strand). VCF-style: chr2-214745725-T-C. GRCh37 (hg19) VCF-style: chr2-215610449-T-C.
Other names: c.1750A>G, p.Thr584Ala (NM_001282543.2); c.454A>G, p.Thr152Ala (NM_001282545.2); c.397A>G, p.Thr133Ala (NM_001282548.2); c.365-15217A>G (NM_001282549.2); short protein forms T603A, T584A, T152A, T133A.
Identifiers: ClinVar variation 406744 (VCV000406744.20), dbSNP rs1060501285, ClinGen allele CA16610579.
Genomic context (GRCh38, chr2:214,745,725, plus strand): 5'-AAGGATCATCTATTTAACATTTTTTCTACCCCACCTCCCAAAATTCAAAATCCTCACCTG[T>C]ACTGTCAAACTCAGTATATTTTTTAGCCTTAAGAATTACTGCAAGCTCACTGAGCATTTT-3'
Protein context (NP_000456.2, residues 593-613): KAKKYTEFDS[Thr603Ala]VTHVVVPGDA

ClinVar aggregate classification (germline): Uncertain significance. Review status: criteria provided, multiple submitters, no conflicts (2 of 4 stars). 3 submissions from 3 submitters: Uncertain significance (3). Last evaluated 2025-08-25.

Conditions:
Hereditary cancer-predisposing syndrome. Also called: Hereditary Cancer Syndrome; Hereditary neoplastic syndrome; Neoplastic Syndromes, Hereditary; Tumor predisposition. Identifiers: Orphanet 140162, MedGen C0027672, MeSH D009386, MONDO:0015356.
Familial cancer of breast. Also called: BREAST CANCER, FAMILIAL; Hereditary breast cancer; hereditary breast carcinoma. Identifiers: Orphanet 227535, MedGen C0346153, MONDO:0016419, OMIM 114480. Disease mechanism: loss of function.

Submissions (3):

Ambry Genetics
Classification: Uncertain significance for Hereditary cancer-predisposing syndrome. Last evaluated: 2025-08-25. Review status: criteria provided, single submitter. Criteria: Ambry Variant Classification Scheme 2023. Collection method: clinical testing. Allele origin: germline.
Comment: The p.T603A variant (also known as c.1807A>G), located in coding exon 8 of the BARD1 gene, results from an A to G substitution at nucleotide position 1807. The threonine at codon 603 is replaced by alanine, an amino acid with similar properties. This amino acid position is well conserved in available vertebrate species. In addition, this alteration is predicted to be tolerated by in silico analysis. Since supporting evidence is limited at this time, the clinical significance of this alteration remains unclear.

Color Diagnostics, LLC DBA Color Health
Classification: Uncertain significance for Hereditary cancer-predisposing syndrome. Last evaluated: 2023-12-05. Review status: criteria provided, single submitter. Criteria: ACMG Guidelines, 2015. Collection method: clinical testing. Allele origin: germline.
Comment: This missense variant replaces threonine with alanine at codon 603 of the BARD1 protein. Computational prediction suggests that this variant may not impact protein structure and function (internally defined REVEL score threshold <= 0.5, PMID: 27666373). To our knowledge, functional studies have not been reported for this variant. This variant has not been reported in individuals affected with BARD1-related disorders in the literature. This variant has not been identified in the general population by the Genome Aggregation Database (gnomAD). The available evidence is insufficient to determine the role of this variant in disease conclusively. Therefore, this variant is classified as a Variant of Uncertain Significance.

Labcorp Genetics (formerly Invitae), Labcorp
Classification: Uncertain significance for Familial cancer of breast. Last evaluated: 2022-09-23. Review status: criteria provided, single submitter. Criteria: Invitae Variant Classification Sherloc (09022015). Collection method: clinical testing. Allele origin: germline.
Comment: This variant has not been reported in the literature in individuals affected with BARD1-related conditions. In summary, the available evidence is currently insufficient to determine the role of this variant in disease. Therefore, it has been classified as a Variant of Uncertain Significance. Algorithms developed to predict the effect of missense changes on protein structure and function output the following: SIFT: "Tolerated"; PolyPhen-2: "Benign"; Align-GVGD: "Class C0". The alanine amino acid residue is found in multiple mammalian species, which suggests that this missense change does not adversely affect protein function. ClinVar contains an entry for this variant (Variation ID: 406744). This variant is not present in population databases (gnomAD no frequency). This sequence change replaces threonine, which is neutral and polar, with alanine, which is neutral and non-polar, at codon 603 of the BARD1 protein (p.Thr603Ala).